The following is an entry in ClinVar:

NM_021830.5(TWNK):c.1243+6C>G

Gene: TWNK (twinkle mtDNA helicase; plus strand). Cytogenetic location: 10q24.31.
Variant type: single nucleotide variant.
Coding change: c.1243+6C>G on transcript NM_021830.5 (MANE Select); 6 bases into the intron after coding-DNA position 1243, C replaced by G.
Molecular consequence: intron variant.
Genome position (GRCh38, 1-based): chr10:100,989,459, C>G. VCF-style: chr10-100989459-C-G. GRCh37 (hg19) VCF-style: chr10-102749216-C-G.
Other names: c.1243+6C>G (NM_001163812.2); c.-119-185C>G (NM_001163814.2, NM_001163813.2); c.-57-247C>G (NM_001368275.1).
Identifiers: ClinVar variation 1952525 (VCV001952525.5), dbSNP rs935380432, ClinGen allele CA595643978.

ClinVar aggregate classification (germline): Uncertain significance (1 of 4 stars; one submission).

Allele frequency attached by ClinVar (database versions not stated): gnomAD exomes below 0.00001.

Submission:

Labcorp Genetics (formerly Invitae), Labcorp
Classification: Uncertain significance. Last evaluated: 2022-04-01. Review status: criteria provided, single submitter. Criteria: Invitae Variant Classification Sherloc (09022015). Collection method: clinical testing. Allele origin: germline.
Comment: Variants that disrupt the consensus splice site are a relatively common cause of aberrant splicing (PMID: 17576681, 9536098). Algorithms developed to predict the effect of sequence changes on RNA splicing suggest that this variant is not likely to affect RNA splicing. This variant has not been reported in the literature in individuals affected with TWNK-related conditions. This variant is present in population databases (no rsID available, gnomAD 0.006%). This sequence change falls in intron 1 of the TWNK gene. It does not directly change the encoded amino acid sequence of the TWNK protein. It affects a nucleotide within the consensus splice site. In summary, the available evidence is currently insufficient to determine the role of this variant in disease. Therefore, it has been classified as a Variant of Uncertain Significance.

Literature cited by the submitters: PubMed 17576681; PubMed 9536098.